The following is an entry in ClinVar:

ClinVar aggregate classification (germline): Uncertain significance. Review status: criteria provided, multiple submitters, no conflicts (2 of 4 stars). 3 submissions from 3 submitters: Uncertain significance (3). Last evaluated 2025-11-16.

Conditions:
Colorectal cancer, susceptibility to, 1. Also called: COLORECTAL ADENOMA AND CANCER, SUSCEPTIBILITY TO; COLORECTAL CANCER, SUSCEPTIBILITY TO, ON CHROMOSOME 9. Identifiers: MedGen C1837315, MONDO:0012132, OMIM 608812.

Allele frequency attached by ClinVar (database versions not stated): gnomAD exomes below 0.00001; ExAC 0.00001.
gnomAD v4.1: 3 of 1,614,226 alleles (0.00019%); highest among the groups gnomAD compares: Non-Finnish European, 0.000085%; no homozygotes.

Submissions (3):

Ambry Genetics
Classification: Uncertain significance. Last evaluated: 2025-11-16. Review status: criteria provided, single submitter. Criteria: Ambry Variant Classification Scheme 2023. Collection method: clinical testing. Allele origin: germline.
Comment: The p.M518V variant (also known as c.1552A>G), located in coding exon 9 of the GALNT12 gene, results from an A to G substitution at nucleotide position 1552. The methionine at codon 518 is replaced by valine, an amino acid with highly similar properties. This amino acid position is conserved. In addition, this alteration is predicted to be tolerated by in silico analysis. Since supporting evidence is limited at this time, the clinical significance of this alteration remains unclear.

Baylor Genetics
Classification: Uncertain significance for Colorectal cancer, susceptibility to, 1. Last evaluated: 2024-03-08. Review status: criteria provided, single submitter. Criteria: ACMG Guidelines, 2015. Collection method: clinical testing. Allele origin: unknown.

Labcorp Genetics (formerly Invitae), Labcorp
Classification: Uncertain significance. Last evaluated: 2022-03-21. Review status: criteria provided, single submitter. Criteria: Invitae Variant Classification Sherloc (09022015). Collection method: clinical testing. Allele origin: germline.
Comment: This variant has not been reported in the literature in individuals affected with GALNT12-related conditions. This variant is present in population databases (rs770337578, gnomAD 0.0009%). This sequence change replaces methionine, which is neutral and non-polar, with valine, which is neutral and non-polar, at codon 518 of the GALNT12 protein (p.Met518Val). In summary, the available evidence is currently insufficient to determine the role of this variant in disease. Therefore, it has been classified as a Variant of Uncertain Significance. Algorithms developed to predict the effect of missense changes on protein structure and function (SIFT, PolyPhen-2, Align-GVGD) all suggest that this variant is likely to be tolerated.

NM_024642.5(GALNT12):c.1552A>G (p.Met518Val)

Gene: GALNT12 (polypeptide N-acetylgalactosaminyltransferase 12; plus strand). Cytogenetic location: 9q22.33.
Variant type: single nucleotide variant.
Coding change: c.1552A>G on transcript NM_024642.5 (MANE Select); coding-DNA position 1552, A replaced by G.
Protein change: p.Met518Val; replaces methionine 518 with valine.
Molecular consequence: missense variant.
Genome position (GRCh38, 1-based): chr9:98,846,070, A>G. VCF-style: chr9-98846070-A-G. GRCh37 (hg19) VCF-style: chr9-101608352-A-G.
Other names: short protein forms M518V.
Identifiers: ClinVar variation 1775079 (VCV001775079.9), dbSNP rs770337578, ClinGen allele CA5154312.
Genomic context (GRCh38, chr9:98,846,070, plus strand): 5'-TATAACACCCACCAGCCTGAGGGCTGCATTGCTGTGGAAGCAGGAATGGATACCCTTATC[A>G]TGCATCTCTGCGAAGAAACTGCCCCAGAGAATCAGAAGTTCATCTTGCAGGAGGTAGGTG-3'
Protein context (NP_078918.3, residues 508-528): AVEAGMDTLI[Met518Val]HLCEETAPEN